The following is an entry in ClinVar:

ClinVar aggregate classification (germline): Uncertain significance. Review status: criteria provided, multiple submitters, no conflicts (2 of 4 stars). 4 submissions from 4 submitters: Uncertain significance (4). Last evaluated 2026-04-25.

Conditions:
PKHD1-related disorder. Also called: PKHD1-related condition.
Polycystic kidney disease 4 (PKD4). Also called: POLYCYSTIC KIDNEY DISEASE 4 WITH OR WITHOUT POLYCYSTIC LIVER DISEASE; POLYCYSTIC KIDNEY AND HEPATIC DISEASE 1; POLYCYSTIC KIDNEY DISEASE, INFANTILE, TYPE I; PKD3; Autosomal Recessive Polycystic Kidney Disease – PKHD1. Identifiers: MedGen C4540575, MONDO:0033004, OMIM 263200.
Autosomal recessive polycystic kidney disease (ARPKD). Also called: AR polycystic kidney disease. Identifiers: Orphanet 731, Orphanet 8378, MedGen C0085548, MeSH D017044, MONDO:0009889.

Allele frequency attached by ClinVar (database versions not stated): ExAC 0.00002; gnomAD exomes 0.00002 and 0.00006; TOPMed 0.00002; gnomAD 0.00003 and 0.00004; ESP Exome Variant Server 0.00015.
gnomAD v4.1: 85 of 1,613,406 alleles (0.0053%); highest among the groups gnomAD compares: Non-Finnish European, 0.0071%; no homozygotes.

Submissions (4):

PreventionGenetics, part of Exact Sciences
Classification: Uncertain significance for PKHD1-related condition. Last evaluated: 2026-04-25. Review status: criteria provided, single submitter. Criteria: ACMG Guidelines, 2015. Collection method: clinical testing. Allele origin: germline.
Comment: The PKHD1 c.6557G>C variant is predicted to result in the amino acid substitution p.Arg2186Thr. To our knowledge, this variant has not been reported in the literature. This variant is reported in 0.0047% of alleles in individuals of European (Non-Finnish) descent in gnomAD. At this time, the clinical significance of this variant is uncertain due to the absence of conclusive functional and genetic evidence.

Fulgent Genetics
Classification: Uncertain significance for Polycystic kidney disease 4. Last evaluated: 2024-01-03. Review status: criteria provided, single submitter. Criteria: ACMG Guidelines, 2015. Collection method: clinical testing. Allele origin: germline.

Labcorp Genetics (formerly Invitae), Labcorp
Classification: Uncertain significance for Autosomal recessive polycystic kidney disease. Last evaluated: 2021-09-17. Review status: criteria provided, single submitter. Criteria: Invitae Variant Classification Sherloc (09022015). Collection method: clinical testing. Allele origin: germline.
Comment: This sequence change replaces arginine with threonine at codon 2186 of the PKHD1 protein (p.Arg2186Thr). The arginine residue is weakly conserved and there is a moderate physicochemical difference between arginine and threonine. This variant is present in population databases (rs375436864, ExAC 0.003%). This variant has not been reported in the literature in individuals with PKHD1-related disease. ClinVar contains an entry for this variant (Variation ID: 197423). Algorithms developed to predict the effect of missense changes on protein structure and function (SIFT, PolyPhen-2, Align-GVGD) all suggest that this variant is likely to be tolerated, but these predictions have not been confirmed by published functional studies and their clinical significance is uncertain. In summary, the available evidence is currently insufficient to determine the role of this variant in disease. Therefore, it has been classified as a Variant of Uncertain Significance.

Eurofins Ntd Llc (ga)
Classification: Uncertain significance. Last evaluated: 2015-02-13. Review status: criteria provided, single submitter. Criteria: EGL Classification Definitions 2015. Collection method: clinical testing. Allele origin: germline. Observed: 2 variant alleles, 2 heterozygotes.

NM_138694.4(PKHD1):c.6557G>C (p.Arg2186Thr)

Gene: PKHD1 (PKHD1 ciliary IPT domain containing fibrocystin/polyductin; minus strand). Cytogenetic location: 6p12.2.
Variant type: single nucleotide variant.
Coding change: c.6557G>C on transcript NM_138694.4 (MANE Select); coding-DNA position 6557, G replaced by C.
Protein change: p.Arg2186Thr; replaces arginine 2186 with threonine.
Molecular consequence: missense variant.
Genome position (GRCh38, 1-based): chr6:51,909,408, C>G on the plus strand (G>C on the coding strand, the complement: PKHD1 is on the minus strand). VCF-style: chr6-51909408-C-G. GRCh37 (hg19) VCF-style: chr6-51774206-C-G.
Other names: c.6557G>C, p.Arg2186Thr (NM_170724.3); c.6557G>C (NM_138694.3); short protein forms R2186T.
Identifiers: ClinVar variation 197423 (VCV000197423.9), dbSNP rs375436864, ClinGen allele CA245545.
Genomic context (GRCh38, chr6:51,909,408, plus strand): 5'-AACTGCACTCCCTTCAACTGGACCTGGCTGGGCTCTTCTGGGAAGGACTGAACGATCACT[C>G]TGGCTCCCATATCCCTGGATCCTAGCATCTTCTCACTCATGGAATACAAACAGTGCTGCA-3'
Protein context (NP_619639.3, residues 2176-2196): KMLGSRDMGA[Arg2186Thr]VIVQSFPEEP